The following is an entry in ClinVar:

ClinVar aggregate classification (germline): Uncertain significance (1 of 4 stars; one submission).

Conditions:
Epidermolysis bullosa simplex 3, localized or generalized intermediate, with BP230 deficiency (EBS3). Also called: Epidermolysis bullosa simplex, autosomal recessive 2; Epidermolysis bullosa simplex due to BP230 deficiency. Identifiers: Orphanet 412181, MedGen C3809470, MONDO:0014180, OMIM 615425.
Hereditary sensory and autonomic neuropathy type 6. Also called: HSAN VI; Neuropathy, hereditary sensory and autonomic, type VI. Identifiers: Orphanet 314381, MedGen C3539003, MONDO:0013839, OMIM 614653.

Allele frequency attached by ClinVar (database versions not stated): ExAC 0.00001; gnomAD 0.00001; 1000 Genomes Project 30x 0.00016; 1000 Genomes Project 0.00020.
gnomAD v4.1: 8 of 1,613,988 alleles (0.0005%); highest among the groups gnomAD compares: African/African-American, 0.008%; no homozygotes.

Submission:

Labcorp Genetics (formerly Invitae), Labcorp
Classification: Uncertain significance for Epidermolysis bullosa simplex 3, localized or generalized intermediate, with BP230 deficiency; Hereditary sensory and autonomic neuropathy type 6. Last evaluated: 2022-05-13. Review status: criteria provided, single submitter. Criteria: Invitae Variant Classification Sherloc (09022015). Collection method: clinical testing. Allele origin: germline.
Comment: This sequence change replaces valine, which is neutral and non-polar, with isoleucine, which is neutral and non-polar, at codon 1660 of the DST protein (p.Val1660Ile). This variant is present in population databases (rs534044028, gnomAD 0.007%). This variant has not been reported in the literature in individuals affected with DST-related conditions. Algorithms developed to predict the effect of missense changes on protein structure and function (SIFT, PolyPhen-2, Align-GVGD) all suggest that this variant is likely to be tolerated. In summary, the available evidence is currently insufficient to determine the role of this variant in disease. Therefore, it has been classified as a Variant of Uncertain Significance.

NM_001723.7(DST):c.4978G>A (p.Val1660Ile)

Gene: DST (dystonin; minus strand). Cytogenetic location: 6p12.1.
Variant type: single nucleotide variant.
Coding change: c.4978G>A on transcript NM_001723.7 (MANE Plus Clinical); coding-DNA position 4978, G replaced by A.
Protein change: p.Val1660Ile; replaces valine 1660 with isoleucine.
Molecular consequence: missense variant. On other transcripts: intron variant (10).
Genome position (GRCh38, 1-based): chr6:56,619,056, C>T on the plus strand (G>A on the coding strand, the complement: DST is on the minus strand). VCF-style: chr6-56619056-C-T. GRCh37 (hg19) VCF-style: chr6-56483854-C-T.
Other names: c.4831-4572G>A (NM_001144769.5); c.4930-4572G>A (NM_001374722.1, NM_001374736.1); c.4957-4572G>A (NM_001374734.1); c.4417-4572G>A (NM_001144770.2); c.4297-4572G>A (NM_001374730.1, NM_001386100.1, NM_183380.4 and 1 more transcripts); c.3319-4572G>A (NM_015548.5); short protein forms V1660I.
Identifiers: ClinVar variation 2139083 (VCV002139083.1), dbSNP rs534044028, ClinGen allele CA3870443.